The following is an entry in ClinVar:

NM_020821.3(VPS13C):c.8111C>T (p.Ser2704Leu)

Gene: VPS13C (vacuolar protein sorting 13 homolog C; minus strand). Cytogenetic location: 15q22.2.
Variant type: single nucleotide variant.
Coding change: c.8111C>T on transcript NM_020821.3 (MANE Select); coding-DNA position 8111, C replaced by T.
Protein change: p.Ser2704Leu; replaces serine 2704 with leucine.
Molecular consequence: missense variant.
Genome position (GRCh38, 1-based): chr15:61,915,967, G>A on the plus strand (C>T on the coding strand, the complement: VPS13C is on the minus strand). VCF-style: chr15-61915967-G-A. GRCh37 (hg19) VCF-style: chr15-62208166-G-A.
Other names: c.8111C>T (NM_020821.2); c.8111C>T, p.Ser2704Leu (NM_001018088.3); c.7982C>T, p.Ser2661Leu (NM_017684.5, NM_018080.4); short protein forms S2661L, S2704L.
Identifiers: ClinVar variation 1597270 (VCV001597270.9), dbSNP rs201012988, ClinGen allele CA7595072.

ClinVar aggregate classification (germline): Likely benign. Review status: criteria provided, multiple submitters, no conflicts (2 of 4 stars). 2 submissions from 2 submitters: Likely benign (2). Last evaluated 2025-12-05.

Conditions:
VPS13C-related disorder. Also called: VPS13C-related condition.

Allele frequency attached by ClinVar (database versions not stated): TOPMed 0.00005; gnomAD 0.00006; gnomAD exomes 0.00007 and 0.00014; ExAC 0.00013; ESP Exome Variant Server 0.00015.
gnomAD v4.1: 120 of 1,613,096 alleles (0.0074%); highest among the groups gnomAD compares: Middle Eastern, 0.033%; 1 homozygote.

Submissions (2):

PreventionGenetics, part of Exact Sciences
Classification: Likely benign for VPS13C-related condition. Last evaluated: 2025-12-05. Review status: criteria provided, single submitter. Criteria: ACMG Guidelines, 2015. Collection method: clinical testing. Allele origin: germline.
Comment: This variant is classified as likely benign based on ACMG/AMP sequence variant interpretation guidelines (Richards et al. 2015 PMID: 25741868, with internal and published modifications).

Labcorp Genetics (formerly Invitae), Labcorp
Classification: Likely benign. Last evaluated: 2025-11-15. Review status: criteria provided, single submitter. Criteria: Invitae Variant Classification Sherloc (09022015). Collection method: clinical testing. Allele origin: germline.